The following is an entry in ClinVar:

NM_020631.6(PLEKHG5):c.995G>A (p.Arg332Gln)

Gene: PLEKHG5 (pleckstrin homology and RhoGEF domain containing G5; minus strand). Cytogenetic location: 1p36.31.
Variant type: single nucleotide variant.
Coding change: c.995G>A on transcript NM_020631.6 (MANE Select); coding-DNA position 995, G replaced by A.
Protein change: p.Arg332Gln; replaces arginine 332 with glutamine.
Molecular consequence: missense variant.
Genome position (GRCh38, 1-based): chr1:6,472,612, C>T on the plus strand (G>A on the coding strand, the complement: PLEKHG5 is on the minus strand). VCF-style: chr1-6472612-C-T. GRCh37 (hg19) VCF-style: chr1-6532672-C-T.
Other names: c.1106G>A, p.Arg369Gln (NM_001042663.3, NM_001265592.2); c.995G>A, p.Arg332Gln (NM_001042664.2, NM_001042665.2, NM_001265594.3 and 1 more transcripts); c.1202G>A, p.Arg401Gln (NM_001265593.2); short protein forms R401Q, R332Q, R369Q.
Identifiers: ClinVar variation 663540 (VCV000663540.6), dbSNP rs769390222, ClinGen allele CA561678.

ClinVar aggregate classification (germline): Uncertain significance (1 of 4 stars; one submission).

Conditions:
Charcot-Marie-Tooth disease recessive intermediate C. Also called: CHARCOT-MARIE-TOOTH NEUROPATHY, RECESSIVE INTERMEDIATE C. Identifiers: Orphanet 369867, MedGen C3809309, MONDO:0014154, OMIM 615376.
Neuronopathy, distal hereditary motor, autosomal recessive 4. Also called: Autosomal recessive lower motor neuron disease with childhood onset; NEUROPATHY, DISTAL HEREDITARY MOTOR, AUTOSOMAL RECESSIVE 4. Identifiers: Orphanet 206580, MedGen C1970211, MONDO:0012608, OMIM 611067.

Allele frequency attached by ClinVar (database versions not stated): gnomAD exomes below 0.00001 and 0.00001; ExAC 0.00001; gnomAD 0.00001.

Submission:

Labcorp Genetics (formerly Invitae), Labcorp
Classification: Uncertain significance for Neuronopathy, distal hereditary motor, autosomal recessive 4; Charcot-Marie-Tooth disease recessive intermediate C. Last evaluated: 2021-08-28. Review status: criteria provided, single submitter. Criteria: Invitae Variant Classification Sherloc (09022015). Collection method: clinical testing. Allele origin: germline.
Comment: This sequence change replaces arginine with glutamine at codon 332 of the PLEKHG5 protein (p.Arg332Gln). The arginine residue is moderately conserved and there is a small physicochemical difference between arginine and glutamine. This variant is present in population databases (rs769390222, ExAC 0.01%). This variant has not been reported in the literature in individuals affected with PLEKHG5-related conditions. Algorithms developed to predict the effect of missense changes on protein structure and function (SIFT, PolyPhen-2, Align-GVGD) all suggest that this variant is likely to be tolerated. In summary, the available evidence is currently insufficient to determine the role of this variant in disease. Therefore, it has been classified as a Variant of Uncertain Significance.